The following is an entry in ClinVar:

ClinVar aggregate classification (germline): Uncertain significance (1 of 4 stars; one submission).

Submission:

Ambry Genetics
Classification: Uncertain significance. Last evaluated: 2025-07-19. Review status: criteria provided, single submitter. Criteria: Ambry Variant Classification Scheme 2023. Collection method: clinical testing. Allele origin: germline.
Comment: The p.S383R variant (also known as c.1147A>C), located in coding exon 2 of the CDK12 gene, results from an A to C substitution at nucleotide position 1147. The serine at codon 383 is replaced by arginine, an amino acid with dissimilar properties. This amino acid position is conserved. In addition, the in silico prediction for this alteration is inconclusive. Based on the available evidence, the clinical significance of this variant remains unclear.

NM_016507.4(CDK12):c.1147A>C (p.Ser383Arg)

Gene: CDK12 (cyclin dependent kinase 12; plus strand). Cytogenetic location: 17q12.
Variant type: single nucleotide variant.
Coding change: c.1147A>C on transcript NM_016507.4 (MANE Select); coding-DNA position 1147, A replaced by C.
Protein change: p.Ser383Arg; replaces serine 383 with arginine.
Molecular consequence: missense variant.
Genome position (GRCh38, 1-based): chr17:39,470,979, A>C. VCF-style: chr17-39470979-A-C. GRCh37 (hg19) VCF-style: chr17-37627232-A-C.
Other names: c.1147A>C, p.Ser383Arg (NM_015083.4); short protein forms S383R.
Identifiers: ClinVar variation 4224303 (VCV004224303.1).